The following is an entry in ClinVar:

ClinVar aggregate classification (germline): Uncertain significance (1 of 4 stars; one submission).

gnomAD v4.1: 34 of 1,614,022 alleles (0.0021%); highest among the groups gnomAD compares: Non-Finnish European, 0.0027%; no homozygotes.

Submission:

Labcorp Genetics (formerly Invitae), Labcorp
Classification: Uncertain significance. Last evaluated: 2024-05-10. Review status: criteria provided, single submitter. Criteria: Invitae Variant Classification Sherloc (09022015). Collection method: clinical testing. Allele origin: germline.
Comment: This sequence change replaces asparagine, which is neutral and polar, with histidine, which is basic and polar, at codon 927 of the NUP133 protein (p.Asn927His). This variant is present in population databases (rs764079404, gnomAD 0.003%). This variant has not been reported in the literature in individuals affected with NUP133-related conditions. An algorithm developed to predict the effect of missense changes on protein structure and function (PolyPhen-2) suggests that this variant is likely to be tolerated. In summary, the available evidence is currently insufficient to determine the role of this variant in disease. Therefore, it has been classified as a Variant of Uncertain Significance.

NM_018230.3(NUP133):c.2779A>C (p.Asn927His)

Gene: NUP133 (nucleoporin 133; minus strand). Cytogenetic location: 1q42.13.
Variant type: single nucleotide variant.
Coding change: c.2779A>C on transcript NM_018230.3 (MANE Select); coding-DNA position 2779, A replaced by C.
Protein change: p.Asn927His; replaces asparagine 927 with histidine.
Molecular consequence: missense variant.
Genome position (GRCh38, 1-based): chr1:229,460,676, T>G on the plus strand (A>C on the coding strand, the complement: NUP133 is on the minus strand). VCF-style: chr1-229460676-T-G. GRCh37 (hg19) VCF-style: chr1-229596423-T-G.
Other names: short protein forms N927H.
Identifiers: ClinVar variation 3714312 (VCV003714312.2).
Genomic context (GRCh38, chr1:229,460,676, plus strand): 5'-CTAATTCTTGGCTATTAATTTCATGTAACCAGCTGAGATGTTCATGAGCTTGCAAAAAAT[T>G]TGCCAACTGTCCATGCTGAGAAATGGGCTGAGATAATAATTTGCCTCGCTTTCCTTTCTC-3'
Protein context (NP_060700.2, residues 917-937): QPISQHGQLA[Asn927His]FLQAHEHLSW